The following is an entry in ClinVar:

ClinVar aggregate classification (germline): Uncertain significance (1 of 4 stars; one submission).

Submission:

GeneDx
Classification: Uncertain significance. Last evaluated: 2025-08-07. Review status: criteria provided, single submitter. Criteria: GeneDx Variant Classification Process June 2021. Collection method: clinical testing. Allele origin: germline. Affected: yes.
Comment: Not observed at significant frequency in large population cohorts (gnomAD); In silico analysis supports that this missense variant has a deleterious effect on protein structure/function; Has not been previously published as pathogenic or benign to our knowledge

NM_021005.4(NR2F2):c.1133T>A (p.Ile378Lys)

Gene: NR2F2 (nuclear receptor subfamily 2 group F member 2; plus strand). Cytogenetic location: 15q26.2.
Variant type: single nucleotide variant.
Coding change: c.1133T>A on transcript NM_021005.4 (MANE Select); coding-DNA position 1133, T replaced by A.
Protein change: p.Ile378Lys; replaces isoleucine 378 with lysine.
Molecular consequence: missense variant.
Genome position (GRCh38, 1-based): chr15:96,337,510, T>A. VCF-style: chr15-96337510-T-A. GRCh37 (hg19) VCF-style: chr15-96880739-T-A.
Other names: c.734T>A, p.Ile245Lys (NM_001145155.2); c.674T>A, p.Ile225Lys (NM_001145156.1, NM_001145157.2); short protein forms I225K, I245K, I378K.
Identifiers: ClinVar variation 4755672 (VCV004755672.1).
Genomic context (GRCh38, chr15:96,337,510, plus strand): 5'-CGAGATTCGGAAAGCTTTTGCTTCGCCTCCCTTCCCTCCGCACCGTCTCCTCCTCAGTCA[T>A]AGAGCAATTGTTTTTCGTCCGTTTGGTAGGTAAAACCCCCATCGAAACCCTCATCCGGGA-3'
Protein context (NP_066285.1, residues 368-388): PSLRTVSSSV[Ile378Lys]EQLFFVRLVG